The following is an entry in ClinVar:

NM_001376.5(DYNC1H1):c.3781T>C (p.Trp1261Arg)

Gene: DYNC1H1 (dynein cytoplasmic 1 heavy chain 1; plus strand). Cytogenetic location: 14q32.31.
Variant type: single nucleotide variant.
Coding change: c.3781T>C on transcript NM_001376.5 (MANE Select); coding-DNA position 3781, T replaced by C.
Protein change: p.Trp1261Arg; replaces tryptophan 1261 with arginine.
Molecular consequence: missense variant.
Genome position (GRCh38, 1-based): chr14:101,997,251, T>C. VCF-style: chr14-101997251-T-C. GRCh37 (hg19) VCF-style: chr14-102463588-T-C.
Other names: short protein forms W1261R.
Identifiers: ClinVar variation 245814 (VCV000245814.2), dbSNP rs879253961, ClinGen allele CA10584461.
Genomic context (GRCh38, chr14:101,997,251, plus strand): 5'-ATGAAGATTGTCCAGGAGGATCGGGCCGTGGAAAGCCGCACCACCGACCTGCTGACTGAC[T>C]GGGAGAAGACCAAGCCTGTCACGGTGAGTCCCGCCAGGTGGGGACGCAGGAGACTCCTCA-3'
Protein context (NP_001367.2, residues 1251-1271): ESRTTDLLTD[Trp1261Arg]EKTKPVTGNL

ClinVar aggregate classification (germline): Uncertain significance (1 of 4 stars; one submission).

Submission:

GeneDx
Classification: Uncertain significance. Last evaluated: 2015-07-15. Review status: criteria provided, single submitter. Criteria: GeneDx Variant Classification (06012015). Collection method: clinical testing. Allele origin: germline. Affected: yes.
Comment: The W1261R variant in the DYNC1H1 gene has not been published as pathogenic, nor has it been reported as a benign polymorphism to our knowledge. The W1261R variant was not observed in approximately 6500 individuals of European and African American ancestry in the NHLBI Exome Sequencing Project, indicating it is not a common benign variant in these populations. The W1261R variant is a non-conservative amino acid substitution, which is likely to impact secondary protein structure as these residues differ in polarity, charge, size and/or other properties. This substitution occurs at a position that is conserved across species, and in silico analysis the protein structure/function, and in silico analysis predicts this variant is probably damaging to the protein structure/function. We interpret W1261R as a variant of unknown significance